The following is an entry in ClinVar:

NM_000135.4(FANCA):c.1949T>C (p.Leu650Pro)

Gene: FANCA (FA complementation group A; minus strand). Cytogenetic location: 16q24.3.
Variant type: single nucleotide variant.
Coding change: c.1949T>C on transcript NM_000135.4 (MANE Select); coding-DNA position 1949, T replaced by C.
Protein change: p.Leu650Pro; replaces leucine 650 with proline.
Molecular consequence: missense variant.
Genome position (GRCh38, 1-based): chr16:89,773,336, A>G on the plus strand (T>C on the coding strand, the complement: FANCA is on the minus strand). VCF-style: chr16-89773336-A-G. GRCh37 (hg19) VCF-style: chr16-89839744-A-G.
Other names: c.1949T>C, p.Leu650Pro (NM_001286167.3); short protein forms L650P.
Identifiers: ClinVar variation 3581522 (VCV003581522.2).
Genomic context (GRCh38, chr16:89,773,336, plus strand): 5'-CGCTGGCTGGGGTCTGTCATGGAGGCTCTCAGCTCTCCCAGTGCAGCTGTGAGCTGTCCC[A>G]GGGGCTCCTCAGCAGAGTTGGGTTCTGCCCTCACTCCCAGGGCTGCATCTGTGAGAAGAA-3'
Protein context (NP_000126.2, residues 640-660): RAEPNSAEEP[Leu650Pro]GQLTAALGEL

ClinVar aggregate classification (germline): Uncertain significance. Review status: criteria provided, multiple submitters, no conflicts (2 of 4 stars). 2 submissions from 2 submitters: Uncertain significance (2). Last evaluated 2025-07-16.

Conditions:
Inborn genetic diseases. Identifiers: MedGen C0950123, MeSH D030342.
Fanconi anemia complementation group A (FANCA). Also called: FANCA-Related Fanconi Anemia; Fanconi anemia, group A. Identifiers: Orphanet 84, MedGen C3469521, MONDO:0009215, OMIM 227650.

Submissions (2):

Ambry Genetics
Classification: Uncertain significance for Inborn genetic diseases. Last evaluated: 2025-07-16. Review status: criteria provided, single submitter. Criteria: Ambry Variant Classification Scheme 2023. Collection method: clinical testing. Allele origin: germline.
Comment: The p.L650P variant (also known as c.1949T>C), located in coding exon 22 of the FANCA gene, results from a T to C substitution at nucleotide position 1949. The leucine at codon 650 is replaced by proline, an amino acid with similar properties. This amino acid position is conserved. In addition, this alteration is predicted to be deleterious by in silico analysis. Based on the available evidence, the clinical significance of this variant remains unclear.

Fulgent Genetics
Classification: Uncertain significance for Fanconi anemia complementation group A. Last evaluated: 2023-12-21. Review status: criteria provided, single submitter. Criteria: ACMG Guidelines, 2015. Collection method: clinical testing. Allele origin: germline.